The following is an entry in ClinVar:

NM_006303.4(AIMP2):c.691A>G (p.Thr231Ala)

Genes: AIMP2 (aminoacyl tRNA synthetase complex interacting multifunctional protein 2; plus strand), EIF2AK1 (eukaryotic translation initiation factor 2 alpha kinase 1; minus strand). Cytogenetic location: 7p22.1.
Variant type: single nucleotide variant.
Coding change: c.691A>G on transcript NM_006303.4 (MANE Select); coding-DNA position 691, A replaced by G.
Protein change: p.Thr231Ala; replaces threonine 231 with alanine.
Molecular consequence: missense variant. On other transcripts: 3 prime UTR variant (2).
Genome position (GRCh38, 1-based): chr7:6,023,419, A>G. VCF-style: chr7-6023419-A-G. GRCh37 (hg19) VCF-style: chr7-6063050-A-G.
Other names: c.*1254T>C (NM_001134335.2, NM_014413.4); c.571A>G, p.Thr191Ala (NM_001326606.2); c.484A>G, p.Thr162Ala (NM_001326607.2); c.457A>G, p.Thr153Ala (NM_001326609.2, NM_001326610.2, NM_001326611.3); c.604A>G, p.Thr202Ala (NM_001362785.2); c.559A>G, p.Thr187Ala (NM_001362787.2); short protein forms T153A, T162A, T191A, T187A, T202A, T231A.
Identifiers: ClinVar variation 2104187 (VCV002104187.4), dbSNP rs2536858033, ClinGen allele CA366747851.
Genomic context (GRCh38, chr7:6,023,419, plus strand): 5'-GGGAACATTGCACGTTTCTTGTTCTCTCTGTTTGGCCAGAAGCATAATGCTGTCAACGCA[A>G]CCCTTATAGATAGCTGGGTAGATATTGCGATTTTTCAGTTAAAAGAGGGAAGCAGTAAAG-3'
Protein context (NP_006294.2, residues 221-241): FGQKHNAVNA[Thr231Ala]LIDSWVDIAI

ClinVar aggregate classification (germline): Uncertain significance (1 of 4 stars; one submission).

Submission:

Labcorp Genetics (formerly Invitae), Labcorp
Classification: Uncertain significance. Last evaluated: 2022-06-15. Review status: criteria provided, single submitter. Criteria: Invitae Variant Classification Sherloc (09022015). Collection method: clinical testing. Allele origin: germline.
Comment: In summary, the available evidence is currently insufficient to determine the role of this variant in disease. Therefore, it has been classified as a Variant of Uncertain Significance. Algorithms developed to predict the effect of missense changes on protein structure and function are either unavailable or do not agree on the potential impact of this missense change (SIFT: "Tolerated"; PolyPhen-2: "Probably Damaging"; Align-GVGD: "Class C0"). This variant has not been reported in the literature in individuals affected with AIMP2-related conditions. This variant is not present in population databases (gnomAD no frequency). This sequence change replaces threonine, which is neutral and polar, with alanine, which is neutral and non-polar, at codon 231 of the AIMP2 protein (p.Thr231Ala).